The following is an entry in ClinVar:

ClinVar aggregate classification (germline): Uncertain significance (1 of 4 stars; one submission).

Conditions:
Hereditary cancer-predisposing syndrome. Also called: Hereditary Cancer Syndrome; Tumor predisposition; Hereditary neoplastic syndrome; Neoplastic Syndromes, Hereditary. Identifiers: Orphanet 140162, MedGen C0027672, MeSH D009386, MONDO:0015356.
Cardiovascular phenotype. Identifiers: MedGen CN230736.

Submission:

Ambry Genetics
Classification: Uncertain significance for Cardiovascular phenotype; Hereditary cancer-predisposing syndrome. Last evaluated: 2024-08-30. Review status: criteria provided, single submitter. Criteria: Ambry Variant Classification Scheme 2023. Collection method: clinical testing. Allele origin: germline.
Comment: The p.F2231L variant (also known as c.6691T>C), located in coding exon 44 of the NF1 gene, results from a T to C substitution at nucleotide position 6691. The phenylalanine at codon 2231 is replaced by leucine, an amino acid with highly similar properties. This amino acid position is highly conserved in available vertebrate species. In addition, the in silico prediction for this alteration is inconclusive. Based on the available evidence, the clinical significance of this variant remains unclear.

NM_001042492.3(NF1):c.6754T>C (p.Phe2252Leu)

Gene: NF1 (neurofibromin 1; plus strand). Cytogenetic location: 17q11.2.
Variant type: single nucleotide variant.
Coding change: c.6754T>C on transcript NM_001042492.3 (MANE Select); coding-DNA position 6754, T replaced by C.
Protein change: p.Phe2252Leu; replaces phenylalanine 2252 with leucine.
Molecular consequence: missense variant.
Genome position (GRCh38, 1-based): chr17:31,338,074, T>C. VCF-style: chr17-31338074-T-C. GRCh37 (hg19) VCF-style: chr17-29665092-T-C.
Other names: c.6691T>C, p.Phe2231Leu (NM_000267.4); short protein forms F2252L, F2231L.
Identifiers: ClinVar variation 3404721 (VCV003404721.1).